The following is an entry in ClinVar:

NM_001199397.3(NEK1):c.*710A>G

Gene: NEK1 (NIMA related kinase 1; minus strand). Cytogenetic location: 4q33.
Variant type: single nucleotide variant.
Coding change: c.*710A>G on transcript NM_001199397.3 (MANE Select); 710 bases downstream of the stop codon, A replaced by G.
Molecular consequence: 3 prime UTR variant. On other transcripts: non-coding transcript variant (1).
Genome position (GRCh38, 1-based): chr4:169,393,800, T>C on the plus strand (A>G on the coding strand, the complement: NEK1 is on the minus strand). VCF-style: chr4-169393800-T-C. GRCh37 (hg19) VCF-style: chr4-170314951-T-C.
Other names: c.*710A>G (NM_001199398.3, NM_001199399.3, NM_001199400.3 and 5 more transcripts).
Identifiers: ClinVar variation 348081 (VCV000348081.6), dbSNP rs13212, ClinGen allele CA10618243.

ClinVar aggregate classification (germline): Benign. Review status: criteria provided, multiple submitters, no conflicts (2 of 4 stars). 2 submissions from 2 submitters: Benign (2). Last evaluated 2018-01-13.

Conditions:
Short-rib thoracic dysplasia 6 with or without polydactyly (SRTD6). Also called: POLYDACTYLY WITH NEONATAL CHONDRODYSTROPHY, TYPE II; Majewski Syndrome; SHORT RIB-POLYDACTYLY SYNDROME, TYPE IIA; SHORT-RIB THORACIC DYSPLASIA 6 WITH POLYDACTYLY; SHORT-RIB THORACIC DYSPLASIA 6 WITHOUT POLYDACTYLY. Identifiers: MedGen C0024507, MONDO:0009894, OMIM 263520.

Allele frequency attached by ClinVar (database versions not stated): 1000 Genomes Project 30x 0.15116; 1000 Genomes Project 0.15236; TOPMed 0.16694; gnomAD 0.17144 and 0.17516.

Submissions (2):

Illumina Laboratory Services, Illumina
Classification: Benign for Short-rib thoracic dysplasia 6 with or without polydactyly. Last evaluated: 2018-01-13. Review status: criteria provided, single submitter. Criteria: ICSL Variant Classification Criteria 13 December 2019. Collection method: clinical testing. Allele origin: germline.
Comment: This variant was observed in the ICSL laboratory as part of a predisposition screen in an ostensibly healthy population. It had not been previously curated by ICSL or reported in the Human Gene Mutation Database (HGMD: prior to June 1st, 2018), and was therefore a candidate for classification through an automated scoring system. Utilizing variant allele frequency, disease prevalence and penetrance estimates, and inheritance mode, an automated score was calculated to assess if this variant is too frequent to cause the disease. Based on the score and internal cut-off values, a variant classified as benign is not then subjected to further curation. The score for this variant resulted in a classification of benign for this disease.

Breakthrough Genomics
Classification: Benign. Review status: criteria provided, single submitter. Criteria: ACMG Guidelines, 2015. Collection method: not provided. Allele origin: germline. Inheritance: Autosomal recessive inheritance. Affected: yes.